The following is an entry in ClinVar:

ClinVar aggregate classification (germline): Uncertain significance (1 of 4 stars; one submission).

Conditions:
Fanconi anemia (FA). Also called: Fanconi's anemia. Identifiers: Orphanet 84, MedGen C0015625, MeSH D005199, MONDO:0019391.

gnomAD v4.1: 1 of 1,192,835 alleles (0.000084%); highest among the groups gnomAD compares: East Asian, 0.003%; no homozygotes.

Submission:

Labcorp Genetics (formerly Invitae), Labcorp
Classification: Uncertain significance for Fanconi anemia. Last evaluated: 2025-07-21. Review status: criteria provided, single submitter. Criteria: Invitae Variant Classification Sherloc (09022015). Collection method: clinical testing. Allele origin: germline.
Comment: This sequence change replaces glutamine, which is neutral and polar, with glutamic acid, which is acidic and polar, at codon 473 of the FANCB protein (p.Gln473Glu). This variant is not present in population databases (gnomAD no frequency). This variant has not been reported in the literature in individuals affected with FANCB-related conditions. Invitae Evidence Modeling of protein sequence and biophysical properties (such as structural, functional, and spatial information, amino acid conservation, physicochemical variation, residue mobility, and thermodynamic stability) indicates that this missense variant is not expected to disrupt FANCB protein function with a negative predictive value of 80%. In summary, the available evidence is currently insufficient to determine the role of this variant in disease. Therefore, it has been classified as a Variant of Uncertain Significance.

NM_001018113.3(FANCB):c.1417C>G (p.Gln473Glu)

Gene: FANCB (FA complementation group B; minus strand). Cytogenetic location: Xp22.2.
Variant type: single nucleotide variant.
Coding change: c.1417C>G on transcript NM_001018113.3 (MANE Select); coding-DNA position 1417, C replaced by G.
Protein change: p.Gln473Glu; replaces glutamine 473 with glutamic acid.
Molecular consequence: missense variant.
Genome position (GRCh38, 1-based): chrX:14,850,584, G>C on the plus strand (C>G on the coding strand, the complement: FANCB is on the minus strand). VCF-style: chrX-14850584-G-C. GRCh37 (hg19) VCF-style: chrX-14868706-G-C.
Other names: c.1417C>G, p.Gln473Glu (NM_001324162.2, NM_001410764.1, NM_152633.4); short protein forms Q473E.
Identifiers: ClinVar variation 4744443 (VCV004744443.1).